The following is an entry in ClinVar:

ClinVar aggregate classification (germline): Uncertain significance (1 of 4 stars; one submission).

Submission:

GeneDx
Classification: Uncertain significance. Last evaluated: 2026-03-29. Review status: criteria provided, single submitter. Criteria: GeneDx Variant Classification Process June 2021. Collection method: clinical testing. Allele origin: germline.
Comment: Not observed at significant frequency in large population cohorts (gnomAD); In silico analysis supports that this missense variant has a deleterious effect on protein structure/function; Has not been previously published as pathogenic or benign to our knowledge

NM_000352.6(ABCC8):c.2498A>C (p.Gln833Pro)

Gene: ABCC8 (ATP binding cassette subfamily C member 8; minus strand). Cytogenetic location: 11p15.1.
Variant type: single nucleotide variant.
Coding change: c.2498A>C on transcript NM_000352.6 (MANE Select); coding-DNA position 2498, A replaced by C.
Protein change: p.Gln833Pro; replaces glutamine 833 with proline.
Molecular consequence: missense variant. On other transcripts: non-coding transcript variant (1).
Genome position (GRCh38, 1-based): chr11:17,412,724, T>G on the plus strand (A>C on the coding strand, the complement: ABCC8 is on the minus strand). VCF-style: chr11-17412724-T-G. GRCh37 (hg19) VCF-style: chr11-17434271-T-G.
Other names: c.2501A>C, p.Gln834Pro (NM_001287174.3); c.2564A>C, p.Gln855Pro (NM_001351295.2); c.2498A>C, p.Gln833Pro (NM_001351296.2); c.2495A>C, p.Gln832Pro (NM_001351297.2); short protein forms Q832P, Q833P, Q834P, Q855P.
Identifiers: ClinVar variation 5017886 (VCV005017886.1).